The following is an entry in ClinVar:

NM_006210.3(PEG3):c.4068AGA[6] (p.Glu1360_Asp1361insGlu)

Genes: PEG3 (paternally expressed 3; minus strand), ZIM2 (zinc finger imprinted 2; minus strand). Cytogenetic location: 19q13.43.
Variant type: Microsatellite.
Coding change: c.4068AGA[6] on transcript NM_006210.3 (MANE Select); six copies in a row of the 3-base unit AGA starting at c.4068; the reference has five copies in a row; one copy, 3 bases duplicated.
Protein change: p.Glu1360_Asp1361insGlu.
Molecular consequence: inframe insertion. On other transcripts: intron variant (11).
Genome position (GRCh38, 1-based): chr19:56,814,360-56,814,362, TCT duplicated on the plus strand (AGA on the coding strand, the reverse complement: PEG3 is on the minus strand); duplicating any 3 consecutive bases within chr19:56,814,360-56,814,376 gives the same sequence; the position shown is the placement nearest the transcript's 3' end. VCF-style (leftmost placement, unchanged base first): chr19-56814359-A-ATCT. GRCh37 (hg19) VCF-style: chr19-57325727-A-ATCT.
Other names: c.4068AGA[6], p.Glu1360_Asp1361insGlu (NM_001146184.2); c.3690AGA[6], p.Glu1234_Asp1235insGlu (NM_001146185.2); c.3696AGA[6], p.Glu1236_Asp1237insGlu (NM_001146187.2, NM_001369720.1, NM_001369721.1 and 13 more transcripts); c.4074AGA[6], p.Glu1362_Asp1363insGlu (NM_001369717.1, NM_001369718.1); c.3981AGA[6], p.Glu1331_Asp1332insGlu (NM_001369719.1); c.3603AGA[6], p.Glu1205_Asp1206insGlu (NM_001369734.1, NM_001369735.1, NM_001369736.1 and 2 more transcripts); c.397+4226AGA[6] (NM_015363.5, NM_001387358.1, NM_001146326.2 and 5 more transcripts); c.490+3372AGA[6] (NM_001369774.1, NM_001369773.1, NM_001387356.1).
Identifiers: ClinVar variation 2650565 (VCV002650565.23), dbSNP rs572444111, ClinGen allele CA9693130.

ClinVar aggregate classification (germline): Likely benign (1 of 4 stars; one submission).

Submission:

CeGaT Center for Human Genetics Tuebingen
Classification: Likely benign. Last evaluated: 2023-03-01. Review status: criteria provided, single submitter. Criteria: CeGaT Center For Human Genetics Tuebingen Variant Classification Criteria Version 2. Collection method: clinical testing. Allele origin: germline. Affected: yes. Observed: 1 variant allele.
Comment: ENSG00000286125: BS2; PEG3: BS2